The following is an entry in ClinVar:

ClinVar aggregate classification (germline): Uncertain significance (1 of 4 stars; one submission).

Conditions:
KBG syndrome (KBGS). Also called: ANKRD11-Related KBG Syndrome. Identifiers: Orphanet 2332, MedGen C0220687, MONDO:0007846, OMIM 148050.

Submission:

Labcorp Genetics (formerly Invitae), Labcorp
Classification: Uncertain significance for KBG syndrome. Last evaluated: 2023-05-17. Review status: criteria provided, single submitter. Criteria: Invitae Variant Classification Sherloc (09022015). Collection method: clinical testing. Allele origin: germline.
Comment: This sequence change replaces aspartic acid, which is acidic and polar, with glutamic acid, which is acidic and polar, at codon 549 of the ANKRD11 protein (p.Asp549Glu). In summary, the available evidence is currently insufficient to determine the role of this variant in disease. Therefore, it has been classified as a Variant of Uncertain Significance. Advanced modeling of protein sequence and biophysical properties (such as structural, functional, and spatial information, amino acid conservation, physicochemical variation, residue mobility, and thermodynamic stability) performed at Invitae indicates that this missense variant is not expected to disrupt ANKRD11 protein function. This variant has not been reported in the literature in individuals affected with ANKRD11-related conditions. This variant is not present in population databases (gnomAD no frequency).

NM_013275.6(ANKRD11):c.1647C>G (p.Asp549Glu)

Gene: ANKRD11 (ankyrin repeat domain 11; minus strand). Cytogenetic location: 16q24.3.
Variant type: single nucleotide variant.
Coding change: c.1647C>G on transcript NM_013275.6 (MANE Select); coding-DNA position 1647, C replaced by G.
Protein change: p.Asp549Glu; replaces aspartic acid 549 with glutamic acid.
Molecular consequence: missense variant.
Genome position (GRCh38, 1-based): chr16:89,284,895, G>C on the plus strand (C>G on the coding strand, the complement: ANKRD11 is on the minus strand). VCF-style: chr16-89284895-G-C. GRCh37 (hg19) VCF-style: chr16-89351303-G-C.
Other names: c.1647C>G, p.Asp549Glu (NM_001256182.2, NM_001256183.2); short protein forms D549E.
Identifiers: ClinVar variation 2865295 (VCV002865295.3), dbSNP rs761557650, ClinGen allele CA397164509.